The following is an entry in ClinVar:

NM_006922.4(SCN3A):c.1627G>A (p.Gly543Arg)

Gene: SCN3A (sodium voltage-gated channel alpha subunit 3; minus strand). Cytogenetic location: 2q24.3.
Variant type: single nucleotide variant.
Coding change: c.1627G>A on transcript NM_006922.4 (MANE Select); coding-DNA position 1627, G replaced by A.
Protein change: p.Gly543Arg; replaces glycine 543 with arginine.
Molecular consequence: missense variant.
Genome position (GRCh38, 1-based): chr2:165,146,783, C>T on the plus strand (G>A on the coding strand, the complement: SCN3A is on the minus strand). VCF-style: chr2-165146783-C-T. GRCh37 (hg19) VCF-style: chr2-166003293-C-T.
Other names: c.1627G>A, p.Gly543Arg (NM_001081676.2, NM_001081677.2); short protein forms G543R.
Identifiers: ClinVar variation 1987714 (VCV001987714.4), dbSNP rs1553531089, ClinGen allele CA349236332.
Genomic context (GRCh38, chr2:165,146,783, plus strand): 5'-TAGTAGAAAATCATACCTGATGAGGGGAGCAGAATTTTTTGTCACTGGTCAGTCTGTTTC[C>T]ATCCATGGAGAAAAGGAAGCTGCTTCTTTTGACGCTGTCTTCAGATTCGGATTTGGGAAA-3'
Protein context (NP_008853.3, residues 533-553): KRSSFLFSMD[Gly543Arg]NRLTSDKKFC

ClinVar aggregate classification (germline): Uncertain significance (1 of 4 stars; one submission).

Allele frequency attached by ClinVar (database versions not stated): gnomAD exomes below 0.00001.
gnomAD v4.1: 2 of 1,613,986 alleles (0.00012%); highest among the groups gnomAD compares: Middle Eastern, 0.016%; no homozygotes.

Submission:

Labcorp Genetics (formerly Invitae), Labcorp
Classification: Uncertain significance. Last evaluated: 2024-02-17. Review status: criteria provided, single submitter. Criteria: Invitae Variant Classification Sherloc (09022015). Collection method: clinical testing. Allele origin: germline.
Comment: This sequence change replaces glycine, which is neutral and non-polar, with arginine, which is basic and polar, at codon 543 of the SCN3A protein (p.Gly543Arg). This variant is not present in population databases (gnomAD no frequency). This variant has not been reported in the literature in individuals affected with SCN3A-related conditions. ClinVar contains an entry for this variant (Variation ID: 1987714). Advanced modeling of protein sequence and biophysical properties (such as structural, functional, and spatial information, amino acid conservation, physicochemical variation, residue mobility, and thermodynamic stability) performed at Invitae indicates that this missense variant is not expected to disrupt SCN3A protein function with a negative predictive value of 95%. In summary, the available evidence is currently insufficient to determine the role of this variant in disease. Therefore, it has been classified as a Variant of Uncertain Significance.